The following is an entry in ClinVar:

NM_001144967.3(NEDD4L):c.2303C>T (p.Pro768Leu)

Gene: NEDD4L (NEDD4 like E3 ubiquitin protein ligase; plus strand). Cytogenetic location: 18q21.31.
Variant type: single nucleotide variant.
Coding change: c.2303C>T on transcript NM_001144967.3 (MANE Select); coding-DNA position 2303, C replaced by T.
Protein change: p.Pro768Leu; replaces proline 768 with leucine.
Molecular consequence: missense variant.
Genome position (GRCh38, 1-based): chr18:58,373,220, C>T. VCF-style: chr18-58373220-C-T. GRCh37 (hg19) VCF-style: chr18-56040452-C-T.
Other names: c.1940C>T, p.Pro647Leu (NM_001144964.1, NM_001144965.2, NM_001144966.3); c.2279C>T, p.Pro760Leu (NM_001144968.2); c.2219C>T, p.Pro740Leu (NM_001144969.2); c.1880C>T, p.Pro627Leu (NM_001144970.3, NM_001144971.2); c.2111C>T, p.Pro704Leu (NM_001243960.2); c.2243C>T, p.Pro748Leu (NM_015277.6); short protein forms P627L, P760L, P768L, P704L, P748L, P647L, P740L.
Identifiers: ClinVar variation 2832340 (VCV002832340.3), dbSNP rs2517908639, ClinGen allele CA402552924.
Genomic context (GRCh38, chr18:58,373,220, plus strand): 5'-GTGTCATTCTGTAGGATAGTGAATATTACAACTCTTTGAAATGGATCCTGGAGAATGACC[C>T]TACTGAGCTGGACCTCATGTTCTGCATAGACGAAGAAAACTTTGGACAGGTACATGTGGG-3'
Protein context (NP_001138439.1, residues 758-778): NSLKWILEND[Pro768Leu]TELDLMFCID

ClinVar aggregate classification (germline): Uncertain significance (1 of 4 stars; one submission).

Submission:

Labcorp Genetics (formerly Invitae), Labcorp
Classification: Uncertain significance. Last evaluated: 2023-01-27. Review status: criteria provided, single submitter. Criteria: Invitae Variant Classification Sherloc (09022015). Collection method: clinical testing. Allele origin: germline.
Comment: This variant has not been reported in the literature in individuals affected with NEDD4L-related conditions. This variant is not present in population databases (gnomAD no frequency). This sequence change replaces proline, which is neutral and non-polar, with leucine, which is neutral and non-polar, at codon 748 of the NEDD4L protein (p.Pro748Leu). Advanced modeling of protein sequence and biophysical properties (such as structural, functional, and spatial information, amino acid conservation, physicochemical variation, residue mobility, and thermodynamic stability) has been performed at Invitae for this missense variant, however the output from this modeling did not meet the statistical confidence thresholds required to predict the impact of this variant on NEDD4L protein function. In summary, the available evidence is currently insufficient to determine the role of this variant in disease. Therefore, it has been classified as a Variant of Uncertain Significance.